The following is an entry in ClinVar:

ClinVar aggregate classification (germline): Uncertain significance (1 of 4 stars; one submission).

Conditions:
Dextro-looped transposition of the great arteries. Also called: Dextrotransposition of the great arteries. Identifiers: Orphanet 860, MedGen C3531771, MONDO:0019443, OMIM 608808, HP:0031348.

gnomAD v4.1: 1 of 1,613,430 alleles (0.000062%); highest among the groups gnomAD compares: Middle Eastern, 0.017%; no homozygotes.

Submission:

Labcorp Genetics (formerly Invitae), Labcorp
Classification: Uncertain significance for Dextro-looped transposition of the great arteries. Last evaluated: 2025-02-12. Review status: criteria provided, single submitter. Criteria: Invitae Variant Classification Sherloc (09022015). Collection method: clinical testing. Allele origin: germline.
Comment: This sequence change falls in intron 14 of the MED13L gene. It does not directly change the encoded amino acid sequence of the MED13L protein. It affects a nucleotide within the consensus splice site. This variant is not present in population databases (gnomAD no frequency). This variant has not been reported in the literature in individuals affected with MED13L-related conditions. Variants that disrupt the consensus splice site are a relatively common cause of aberrant splicing (PMID: 17576681, 9536098). Algorithms developed to predict the effect of sequence changes on RNA splicing suggest that this variant is not likely to affect RNA splicing. In summary, the available evidence is currently insufficient to determine the role of this variant in disease. Therefore, it has been classified as a Variant of Uncertain Significance.

Literature cited by the submitters: PubMed 17576681; PubMed 9536098.

NM_015335.5(MED13L):c.2570-3T>C

Gene: MED13L (mediator complex subunit 13L; minus strand). Cytogenetic location: 12q24.21.
Variant type: single nucleotide variant.
Coding change: c.2570-3T>C on transcript NM_015335.5 (MANE Select); 3 bases into the intron before coding-DNA position 2570, T replaced by C.
Molecular consequence: intron variant.
Genome position (GRCh38, 1-based): chr12:115,997,233, A>G on the plus strand (T>C on the coding strand, the complement: MED13L is on the minus strand). VCF-style: chr12-115997233-A-G. GRCh37 (hg19) VCF-style: chr12-116435038-A-G.
Identifiers: ClinVar variation 4769154 (VCV004769154.1).